The following is an entry in ClinVar:

ClinVar aggregate classification (germline): Uncertain significance. Review status: criteria provided, multiple submitters, no conflicts (2 of 4 stars). 3 submissions from 3 submitters: Uncertain significance (3). Last evaluated 2025-10-02.

Conditions:
Age related macular degeneration 4. Identifiers: MedGen C1853147, MONDO:0012540, OMIM 610698.
Basal laminar drusen. Also called: DRUSEN OF BRUCH MEMBRANE; DRUSEN, CUTICULAR; DRUSEN, EARLY ADULT-ONSET, GROUPED. Identifiers: Orphanet 75376, MedGen C0730295, MONDO:0007472, OMIM 126700.
Hemolytic uremic syndrome, atypical, susceptibility to, 1. Also called: AHUS, SUSCEPTIBILITY TO, 1. Identifiers: Orphanet 2134, Orphanet 90038, MedGen C2749604, MONDO:0009335, OMIM 235400. Disease mechanism: Other.
Factor H deficiency (CFHD). Also called: COMPLEMENT FACTOR H DEFICIENCY; CFH DEFICIENCY. Identifiers: Orphanet 200421, MedGen C0398777, MONDO:0012350, OMIM 609814.
Atypical hemolytic-uremic syndrome. Identifiers: Orphanet 2134, MedGen C2931788, MONDO:0016244.

Submissions (3):

Genomenon, Inc
Classification: Uncertain significance for Basal laminar drusen; Age related macular degeneration 4; Atypical hemolytic-uremic syndrome; Factor H deficiency. Last evaluated: 2025-10-02. Review status: criteria provided, single submitter. Criteria: Genomenon Sequence Variant Interpretation Standards - Updated. Collection method: curation. Allele origin: germline. Affected: no.
Comment: CFH p.Leu750_Lys751del (c.2247_2252del) is an in-frame deletion variant that results in the deletion of two amino acids, Leucine at residue 750 and Lysine at residue 751. This variant has been reported in the published literature (PMID:32476814). It is absent or not present at a significant frequency in gnomAD. In conclusion, we classify CFH p.Leu750_Lys751del (c.2247_2252del) as a variant of uncertain significance.

Blueprint Genetics
Classification: Uncertain significance. Last evaluated: 2024-06-14. Review status: criteria provided, single submitter. Criteria: ACMG Guidelines, 2015. Collection method: clinical testing. Allele origin: germline.

Fulgent Genetics
Classification: Uncertain significance for Basal laminar drusen; Hemolytic uremic syndrome, atypical, susceptibility to, 1; Factor H deficiency; Age related macular degeneration 4. Last evaluated: 2024-04-08. Review status: criteria provided, single submitter. Criteria: ACMG Guidelines, 2015. Collection method: clinical testing. Allele origin: germline.

Literature cited by the submitters: PubMed 32476814 (cited by Genomenon, Inc).

NM_000186.4(CFH):c.2247_2252del (p.Leu750_Lys751del)

Gene: CFH (complement factor H; plus strand). Cytogenetic location: 1q31.3.
Variant type: Deletion.
Coding change: c.2247_2252del on transcript NM_000186.4 (MANE Select); coding-DNA positions 2247 to 2252, 6 bases deleted (ACTTAA; older notation c.2247_2252delACTTAA).
Protein change: p.Leu750_Lys751del.
Genome position (GRCh38, 1-based): chr1:196,728,356-196,728,361, ACTTAA deleted; deleting any 6 consecutive bases within chr1:196,728,353-196,728,361 gives the same sequence; the c. name uses the placement nearest the transcript's 3' end. VCF-style (leftmost placement, unchanged base first): chr1-196728352-ATAAACT-A. GRCh37 (hg19) VCF-style: chr1-196697482-ATAAACT-A.
Identifiers: ClinVar variation 3575461 (VCV003575461.3).